The following is an entry in ClinVar:

NM_001366385.1(CARD14):c.1517C>G (p.Pro506Arg)

Gene: CARD14 (caspase recruitment domain family member 14; plus strand). Cytogenetic location: 17q25.3.
Variant type: single nucleotide variant.
Coding change: c.1517C>G on transcript NM_001366385.1 (MANE Select); coding-DNA position 1517, C replaced by G.
Protein change: p.Pro506Arg; replaces proline 506 with arginine.
Molecular consequence: missense variant. On other transcripts: non-coding transcript variant (1).
Genome position (GRCh38, 1-based): chr17:80,195,575, C>G. VCF-style: chr17-80195575-C-G. GRCh37 (hg19) VCF-style: chr17-78169374-C-G.
Other names: c.1517C>G, p.Pro506Arg (NM_001257970.1, NM_024110.4); c.806C>G, p.Pro269Arg (NM_052819.3); c.1517C>G (NM_024110.3); short protein forms P506R, P269R.
Identifiers: ClinVar variation 2927374 (VCV002927374.4), dbSNP rs61751630, ClinGen allele CA401349396.

ClinVar aggregate classification (germline): Uncertain significance. Review status: criteria provided, multiple submitters, no conflicts (2 of 4 stars). 2 submissions from 2 submitters: Uncertain significance (2). Last evaluated 2024-09-26.

Conditions:
Inborn genetic diseases. Identifiers: MedGen C0950123, MeSH D030342.
Psoriasis 2. Identifiers: MedGen C1864497, MONDO:0011269, OMIM 602723.
Pityriasis rubra pilaris (PRP). Also called: Pityriasis rubra pilaris--familial type. Identifiers: Orphanet 2897, MedGen C0032027, MONDO:0100017, OMIM 173200, MONDO:0008251.

Submissions (2):

Ambry Genetics
Classification: Uncertain significance for Inborn genetic diseases. Last evaluated: 2024-09-26. Review status: criteria provided, single submitter. Criteria: Ambry Variant Classification Scheme 2023. Collection method: clinical testing. Allele origin: germline.

Labcorp Genetics (formerly Invitae), Labcorp
Classification: Uncertain significance for Pityriasis rubra pilaris; Psoriasis 2. Last evaluated: 2023-01-06. Review status: criteria provided, single submitter. Criteria: Invitae Variant Classification Sherloc (09022015). Collection method: clinical testing. Allele origin: germline.
Comment: In summary, the available evidence is currently insufficient to determine the role of this variant in disease. Therefore, it has been classified as a Variant of Uncertain Significance. Advanced modeling of protein sequence and biophysical properties (such as structural, functional, and spatial information, amino acid conservation, physicochemical variation, residue mobility, and thermodynamic stability) performed at Invitae indicates that this missense variant is not expected to disrupt CARD14 protein function. This variant has not been reported in the literature in individuals affected with CARD14-related conditions. This variant is not present in population databases (gnomAD no frequency). This sequence change replaces proline, which is neutral and non-polar, with arginine, which is basic and polar, at codon 506 of the CARD14 protein (p.Pro506Arg).